The following is an entry in ClinVar:

ClinVar aggregate classification (germline): Uncertain significance (1 of 4 stars; one submission).

Submission:

Labcorp Genetics (formerly Invitae), Labcorp
Classification: Uncertain significance. Last evaluated: 2022-08-15. Review status: criteria provided, single submitter. Criteria: Invitae Variant Classification Sherloc (09022015). Collection method: clinical testing. Allele origin: germline.
Comment: This sequence change replaces phenylalanine, which is neutral and non-polar, with valine, which is neutral and non-polar, at codon 1774 of the SCN3A protein (p.Phe1774Val). This variant is not present in population databases (gnomAD no frequency). This variant has not been reported in the literature in individuals affected with SCN3A-related conditions. Algorithms developed to predict the effect of missense changes on protein structure and function are either unavailable or do not agree on the potential impact of this missense change (SIFT: "Deleterious"; PolyPhen-2: "Probably Damaging"; Align-GVGD: "Class C0"). In summary, the available evidence is currently insufficient to determine the role of this variant in disease. Therefore, it has been classified as a Variant of Uncertain Significance.

NM_006922.4(SCN3A):c.5320T>G (p.Phe1774Val)

Gene: SCN3A (sodium voltage-gated channel alpha subunit 3; minus strand). Cytogenetic location: 2q24.3.
Variant type: single nucleotide variant.
Coding change: c.5320T>G on transcript NM_006922.4 (MANE Select); coding-DNA position 5320, T replaced by G.
Protein change: p.Phe1774Val; replaces phenylalanine 1774 with valine.
Molecular consequence: missense variant.
Genome position (GRCh38, 1-based): chr2:165,090,833, A>C on the plus strand (T>G on the coding strand, the complement: SCN3A is on the minus strand). VCF-style: chr2-165090833-A-C. GRCh37 (hg19) VCF-style: chr2-165947343-A-C.
Other names: c.5173T>G, p.Phe1725Val (NM_001081676.2, NM_001081677.2); short protein forms F1774V, F1725V.
Identifiers: ClinVar variation 2111889 (VCV002111889.4), dbSNP rs776441801, ClinGen allele CA349015907.
Genomic context (GRCh38, chr2:165,090,833, plus strand): 5'-AGAACATCTCAAAGTCATCCTCACTCAGGGGCTCTGCACTTTCTTCAGTAGCAACACTGA[A>C]GTTCTCCAGGATGACCGCGATGTACATGTTCACCACAACCAGGAAGGATATGATGATGTA-3'
Protein context (NP_008853.3, residues 1764-1784): NMYIAVILEN[Phe1774Val]SVATEESAEP